The following is an entry in ClinVar:

NM_000899.5(KITLG):c.34A>G (p.Ile12Val)

Gene: KITLG (KIT ligand; minus strand). Cytogenetic location: 12q21.32.
Variant type: single nucleotide variant.
Coding change: c.34A>G on transcript NM_000899.5 (MANE Select); coding-DNA position 34, A replaced by G.
Protein change: p.Ile12Val; replaces isoleucine 12 with valine.
Molecular consequence: missense variant.
Genome position (GRCh38, 1-based): chr12:88,545,847, T>C on the plus strand (A>G on the coding strand, the complement: KITLG is on the minus strand). VCF-style: chr12-88545847-T-C. GRCh37 (hg19) VCF-style: chr12-88939624-T-C.
Other names: c.34A>G, p.Ile12Val (NM_003994.6); short protein forms I12V.
Identifiers: ClinVar variation 3253013 (VCV003253013.1), dbSNP rs756741815.

ClinVar aggregate classification (germline): Uncertain significance (1 of 4 stars; one submission).

gnomAD v4.1: 2 of 1,609,062 alleles (0.00012%); highest among the groups gnomAD compares: South Asian, 0.0022%; no homozygotes.

Submission:

GeneDx
Classification: Uncertain significance. Last evaluated: 2023-10-29. Review status: criteria provided, single submitter. Criteria: GeneDx Variant Classification Process June 2021. Collection method: clinical testing. Allele origin: germline. Affected: yes.
Comment: Has not been previously published as pathogenic or benign to our knowledge; Not observed at significant frequency in large population cohorts (gnomAD); In silico analysis supports that this missense variant does not alter protein structure/function